The following is an entry in ClinVar:

ClinVar aggregate classification (germline): Benign. Review status: criteria provided, multiple submitters, no conflicts (2 of 4 stars). 2 submissions from 2 submitters: Benign (2). Last evaluated 2018-01-12.

Conditions:
Desbuquois dysplasia 1 (DBQD1). Also called: MICROMELIC DWARFISM WITH VERTEBRAL AND METAPHYSEAL ABNORMALITIES AND ADVANCED CARPOTARSAL OSSIFICATION; DESBUQUOIS DYSPLASIA 1, KIM VARIANT. Identifiers: Orphanet 1425, MedGen C4012146, MONDO:0009629, OMIM 251450.

Allele frequency attached by ClinVar (database versions not stated): gnomAD exomes 0.10849; TOPMed 0.12952; 1000 Genomes Project 30x 0.17067; 1000 Genomes Project 0.17272.

Submissions (2):

Illumina Laboratory Services, Illumina
Classification: Benign for Desbuquois dysplasia 1. Last evaluated: 2018-01-12. Review status: criteria provided, single submitter. Criteria: ICSL Variant Classification Criteria 13 December 2019. Collection method: clinical testing. Allele origin: germline.
Comment: This variant was observed in the ICSL laboratory as part of a predisposition screen in an ostensibly healthy population. It had not been previously curated by ICSL or reported in the Human Gene Mutation Database (HGMD: prior to June 1st, 2018), and was therefore a candidate for classification through an automated scoring system. Utilizing variant allele frequency, disease prevalence and penetrance estimates, and inheritance mode, an automated score was calculated to assess if this variant is too frequent to cause the disease. Based on the score and internal cut-off values, a variant classified as benign is not then subjected to further curation. The score for this variant resulted in a classification of benign for this disease.

Breakthrough Genomics
Classification: Benign. Review status: criteria provided, single submitter. Criteria: ACMG Guidelines, 2015. Collection method: not provided. Allele origin: germline. Inheritance: Autosomal recessive inheritance. Affected: yes.

NM_001159773.2(CANT1):c.*570G>A

Gene: CANT1 (calcium activated nucleotidase 1; minus strand). Cytogenetic location: 17q25.3.
Variant type: single nucleotide variant.
Coding change: c.*570G>A on transcript NM_001159773.2 (MANE Select); 570 bases downstream of the stop codon, G replaced by A.
Molecular consequence: 3 prime UTR variant.
Genome position (GRCh38, 1-based): chr17:78,992,980, C>T on the plus strand (G>A on the coding strand, the complement: CANT1 is on the minus strand). VCF-style: chr17-78992980-C-T. GRCh37 (hg19) VCF-style: chr17-76989062-C-T.
Other names: c.*570G>A (NM_001159772.2, NM_138793.4).
Identifiers: ClinVar variation 325687 (VCV000325687.6), dbSNP rs8079368, ClinGen allele CA10651205.